The following is an entry in ClinVar:

ClinVar aggregate classification (germline): Uncertain significance. Review status: reviewed by expert panel (3 of 4 stars). 3 submissions from 3 submitters: Uncertain significance (1). 2 of the submissions do not count toward it. Last evaluated 2026-04-29.

Conditions:
Creatine transporter deficiency (CCDS1). Also called: Mental retardation , X-linked with seizures, short stature and midface hypoplasia; Mental retardation , X-linked, with creatine transport deficiency; X-linked creatine transporter deficiency; X-linked creatine deficiency syndrome; SLC6A8-Related Creatine Transporter Deficiency; CREATINE TRANSPORTER DEFECT. Identifiers: Orphanet 52503, MedGen C1845862, MONDO:0010305, OMIM 300352.

Submissions (3):

ClinGen Cerebral Creatine Deficiency Syndromes Variant Curation Expert Panel, ClinGen
Classification: Uncertain significance for Creatine transporter deficiency. Last evaluated: 2026-04-29. Review status: reviewed by expert panel. Criteria: ClinGen_CCDS_ACMG_Specifications_SLC6A8_v1.1. Collection method: curation. Allele origin: germline. Inheritance: X-linked inheritance.
Comment: The NM_005629.4:c.645-19A>G variant in SLC6A8 is an intronic variant affecting a nucleotide within the consensus splice site of intron 3. To our knowledge, this variant has not been reported in the literature and no functional studies are available. This variant is absent in gnomAD v4.1.0 (PM2_Supporting). SpliceAI predicts no impact on splicing (score <0.2) (BP4). There is a ClinVar entry for this variant (Variation ID: 1562414). In summary, this variant meets criteria to be classified as a variant of uncertain significance for creatine transporter deficiency. SLC6A8-specific criteria applied, as specified by the ClinGen Cerebral Creatine Deficiency Syndromes Variant Curation Expert Panel (Specifications Version 1.2.0): PM2_Supporting, BP4. (Classification approved by the ClinGen Cerebral Creatine Deficiency Syndromes Variant Curation Expert Panel on April 29, 2026)

Women's Health and Genetics/Laboratory Corporation of America, LabCorp
Classification: Likely benign. Last evaluated: 2024-12-12. Review status: criteria provided, single submitter. Criteria: LabCorp Variant Classification Summary - May 2015. Collection method: clinical testing. Allele origin: germline. Not counted in ClinVar's aggregate classification.

Labcorp Genetics (formerly Invitae), Labcorp
Classification: Likely benign for Creatine transporter deficiency. Last evaluated: 2022-08-09. Review status: criteria provided, single submitter. Criteria: Invitae Variant Classification Sherloc (09022015). Collection method: clinical testing. Allele origin: germline. Not counted in ClinVar's aggregate classification.

NM_005629.4(SLC6A8):c.645-19A>G

Gene: SLC6A8 (solute carrier family 6 member 8; plus strand). Cytogenetic location: Xq28.
Variant type: single nucleotide variant.
Coding change: c.645-19A>G on transcript NM_005629.4 (MANE Select); 19 bases into the intron before coding-DNA position 645, A replaced by G.
Molecular consequence: intron variant.
Genome position (GRCh38, 1-based): chrX:153,691,956, A>G. VCF-style: chrX-153691956-A-G. GRCh37 (hg19) VCF-style: chrX-152957411-A-G.
Other names: c.645-19A>G (NM_001142805.2); c.300-19A>G (NM_001142806.1).
Identifiers: ClinVar variation 1562414 (VCV001562414.12), dbSNP rs2148361615, ClinGen allele CA2573159473.